The following is an entry in ClinVar:

NM_000064.4(C3):c.2548G>A (p.Val850Ile)

Gene: C3 (complement C3; minus strand). Cytogenetic location: 19p13.3.
Variant type: single nucleotide variant.
Coding change: c.2548G>A on transcript NM_000064.4 (MANE Select); coding-DNA position 2548, G replaced by A.
Protein change: p.Val850Ile; replaces valine 850 with isoleucine.
Molecular consequence: missense variant.
Genome position (GRCh38, 1-based): chr19:6,697,687, C>T on the plus strand (G>A on the coding strand, the complement: C3 is on the minus strand). VCF-style: chr19-6697687-C-T. GRCh37 (hg19) VCF-style: chr19-6697698-C-T.
Other names: short protein forms V850I.
Identifiers: ClinVar variation 1383462 (VCV001383462.8), dbSNP rs544858538, ClinGen allele CA9129042.

ClinVar aggregate classification (germline): Uncertain significance (1 of 4 stars; one submission).

Allele frequency attached by ClinVar (database versions not stated): gnomAD exomes 0.00002 and 0.00003; ExAC 0.00003; gnomAD 0.00006 and 0.00007; TOPMed 0.00006; 1000 Genomes Project 30x 0.00016; 1000 Genomes Project 0.00020.
gnomAD v4.1: 34 of 1,614,098 alleles (0.0021%); highest among the groups gnomAD compares: African/African-American, 0.015%; no homozygotes.

Submission:

Labcorp Genetics (formerly Invitae), Labcorp
Classification: Uncertain significance. Last evaluated: 2025-12-01. Review status: criteria provided, single submitter. Criteria: Invitae Variant Classification Sherloc (09022015). Collection method: clinical testing. Allele origin: germline.
Comment: This sequence change replaces valine, which is neutral and non-polar, with isoleucine, which is neutral and non-polar, at codon 850 of the C3 protein (p.Val850Ile). This variant is present in population databases (rs544858538, gnomAD 0.02%). This variant has not been reported in the literature in individuals affected with C3-related conditions. ClinVar contains an entry for this variant (Variation ID: 1383462). Invitae Evidence Modeling of protein sequence and biophysical properties (such as structural, functional, and spatial information, amino acid conservation, physicochemical variation, residue mobility, and thermodynamic stability) indicates that this missense variant is not expected to disrupt C3 protein function with a negative predictive value of 80%. In summary, the available evidence is currently insufficient to determine the role of this variant in disease. Therefore, it has been classified as a Variant of Uncertain Significance.